The following is an entry in ClinVar:

NM_004369.4(COL6A3):c.4984G>T (p.Val1662Leu)

Gene: COL6A3 (collagen type VI alpha 3 chain; minus strand). Cytogenetic location: 2q37.3.
Variant type: single nucleotide variant.
Coding change: c.4984G>T on transcript NM_004369.4 (MANE Select); coding-DNA position 4984, G replaced by T.
Protein change: p.Val1662Leu; replaces valine 1662 with leucine.
Molecular consequence: missense variant.
Genome position (GRCh38, 1-based): chr2:237,367,203, C>A on the plus strand (G>T on the coding strand, the complement: COL6A3 is on the minus strand). VCF-style: chr2-237367203-C-A. GRCh37 (hg19) VCF-style: chr2-238275846-C-A.
Other names: c.3163G>T, p.Val1055Leu (NM_057166.5); c.4366G>T, p.Val1456Leu (NM_057167.4); short protein forms V1662L, V1055L, V1456L.
Identifiers: ClinVar variation 288379 (VCV000288379.29), dbSNP rs886043879, ClinGen allele CA10606069.

ClinVar aggregate classification (germline): Uncertain significance. Review status: criteria provided, multiple submitters, no conflicts (2 of 4 stars). 3 submissions from 3 submitters: Uncertain significance (3). Last evaluated 2024-08-01.

Conditions:
Bethlem myopathy 1A. Also called: Bethlem myopathy 1; Bethlem Muscular Dystrophy; MYOPATHY, BENIGN CONGENITAL, WITH CONTRACTURES. Identifiers: Orphanet 610, MedGen CN029274, MONDO:0024530, OMIM 158810.

Allele frequency attached by ClinVar (database versions not stated): TOPMed 0.00001.
gnomAD v4.1: 3 of 1,613,978 alleles (0.00019%); highest among the groups gnomAD compares: Non-Finnish European, 0.00025%; no homozygotes.

Submissions (3):

CeGaT Center for Human Genetics Tuebingen
Classification: Uncertain significance. Last evaluated: 2024-08-01. Review status: criteria provided, single submitter. Criteria: CeGaT Center For Human Genetics Tuebingen Variant Classification Criteria Version 2. Collection method: clinical testing. Allele origin: germline. Affected: yes. Observed: 1 variant allele.
Comment: COL6A3: PM2, BP4

Labcorp Genetics (formerly Invitae), Labcorp
Classification: Uncertain significance for Bethlem myopathy 1A. Last evaluated: 2021-09-25. Review status: criteria provided, single submitter. Criteria: Invitae Variant Classification Sherloc (09022015). Collection method: clinical testing. Allele origin: germline.
Comment: This sequence change replaces valine with leucine at codon 1662 of the COL6A3 protein (p.Val1662Leu). The valine residue is highly conserved and there is a small physicochemical difference between valine and leucine. This variant is not present in population databases (ExAC no frequency). This variant has not been reported in the literature in individuals affected with COL6A3-related conditions. ClinVar contains an entry for this variant (Variation ID: 288379). Advanced modeling of protein sequence and biophysical properties (such as structural, functional, and spatial information, amino acid conservation, physicochemical variation, residue mobility, and thermodynamic stability) performed at Invitae indicates that this missense variant is not expected to disrupt COL6A3 protein function. In summary, the available evidence is currently insufficient to determine the role of this variant in disease. Therefore, it has been classified as a Variant of Uncertain Significance.

Eurofins Ntd Llc (ga)
Classification: Uncertain significance. Last evaluated: 2016-06-30. Review status: criteria provided, single submitter. Criteria: EGL Classification Definitions 2015. Collection method: clinical testing. Allele origin: germline. Observed: 2 variant alleles, 2 heterozygotes.